The following is an entry in ClinVar:

ClinVar aggregate classification (germline): Pathogenic (1 of 4 stars; one submission).

Submission:

Labcorp Genetics (formerly Invitae), Labcorp
Classification: Pathogenic. Last evaluated: 2023-03-30. Review status: criteria provided, single submitter. Criteria: Invitae Variant Classification Sherloc (09022015). Collection method: clinical testing. Allele origin: germline.
Comment: This variant is not present in population databases (gnomAD no frequency). This variant has not been reported in the literature in individuals affected with ALPK3-related conditions. For these reasons, this variant has been classified as Pathogenic. This sequence change creates a premature translational stop signal (p.Val613Glyfs*39) in the ALPK3 gene. It is expected to result in an absent or disrupted protein product. Loss-of-function variants in ALPK3 are known to be pathogenic (PMID: 21441111, 26846950, 27106955, 34263907).

Literature cited by the submitters: PubMed 21441111; PubMed 26846950; PubMed 27106955; PubMed 34263907.

NM_020778.5(ALPK3):c.1232_1248del (p.Val411fs)

Gene: ALPK3 (alpha kinase 3; plus strand). Cytogenetic location: 15q25.3.
Variant type: Deletion.
Coding change: c.1232_1248del on transcript NM_020778.5 (MANE Select); coding-DNA positions 1232 to 1248, 17 bases deleted (TGTATTTCTCCTTGAAG).
Protein change: p.Val411fs; shifts the reading frame from valine 411.
Molecular consequence: frameshift variant.
Genome position (GRCh38, 1-based): chr15:84,840,511-84,840,527, TGTATTTCTCCTTGAAG deleted; deleting any 17 consecutive bases within chr15:84,840,507-84,840,527 gives the same sequence; the c. name uses the placement nearest the transcript's 3' end. VCF-style (leftmost placement, unchanged base first): chr15-84840506-GGAAGTGTATTTCTCCTT-G. GRCh37 (hg19) VCF-style: chr15-85383737-GGAAGTGTATTTCTCCTT-G.
Other names: short protein forms V411fs.
Identifiers: ClinVar variation 2850875 (VCV002850875.3), dbSNP rs2505706288, ClinGen allele CA2739269633.